The following is an entry in ClinVar:

NM_000522.5(HOXA13):c.129_140del (p.Ala48_Ala51del)

Genes: HOXA13 (homeobox A13; minus strand), LOC107126288 (NUP98-HOXA13 recombination region; plus strand). Cytogenetic location: 7p15.2.
Variant type: Deletion.
Coding change: c.129_140del on transcript NM_000522.5 (MANE Select); coding-DNA positions 129 to 140, 12 bases deleted (AGCGGCTGCAGC).
Protein change: p.Ala48_Ala51del.
Genome position (GRCh38, 1-based): chr7:27,199,938-27,199,949, GCTGCAGCCGCT deleted on the plus strand (AGCGGCTGCAGC on the coding strand, the reverse complement: HOXA13 is on the minus strand); deleting any 12 consecutive bases within chr7:27,199,938-27,199,960 gives the same sequence; the c. name uses the placement nearest the transcript's 3' end. VCF-style (leftmost placement, unchanged base first): chr7-27199937-CGCTGCAGCCGCT-C. GRCh37 (hg19) VCF-style: chr7-27239556-CGCTGCAGCCGCT-C.
Identifiers: ClinVar variation 3698835 (VCV003698835.2).

ClinVar aggregate classification (germline): Uncertain significance (1 of 4 stars; one submission).

Submission:

Labcorp Genetics (formerly Invitae), Labcorp
Classification: Uncertain significance. Last evaluated: 2026-01-05. Review status: criteria provided, single submitter. Criteria: Invitae Variant Classification Sherloc (09022015). Collection method: clinical testing. Allele origin: germline.
Comment: This variant, c.129_140del, results in the deletion of 4 amino acid(s) of the HOXA13 protein (p.Ala48_Ala51del), but otherwise preserves the integrity of the reading frame. This variant is not present in population databases (gnomAD no frequency). This variant has not been reported in the literature in individuals affected with HOXA13-related conditions. ClinVar contains an entry for this variant (Variation ID: 3698835). Experimental studies and prediction algorithms are not available or were not evaluated, and the functional significance of this variant is currently unknown. In summary, the available evidence is currently insufficient to determine the role of this variant in disease. Therefore, it has been classified as a Variant of Uncertain Significance.